The following is an entry in ClinVar:

NM_001018005.2(TPM1):c.625G>C (p.Ala209Pro)

Gene: TPM1 (tropomyosin 1; plus strand). Cytogenetic location: 15q22.2.
Variant type: single nucleotide variant.
Coding change: c.625G>C on transcript NM_001018005.2 (MANE Select); coding-DNA position 625, G replaced by C.
Protein change: p.Ala209Pro; replaces alanine 209 with proline.
Molecular consequence: missense variant. On other transcripts: intron variant (6).
Genome position (GRCh38, 1-based): chr15:63,061,774, G>C. VCF-style: chr15-63061774-G-C. GRCh37 (hg19) VCF-style: chr15-63353973-G-C.
Other names: c.625G>C, p.Ala209Pro (NM_001018004.2, NM_001018007.2, NM_001301244.2 and 3 more transcripts); c.517G>C, p.Ala173Pro (NM_001018008.2, NM_001301289.2, NM_001330346.2 and 2 more transcripts); c.751G>C, p.Ala251Pro (NM_001365778.1); c.640-441G>C (NM_001018020.2, NM_001018006.2, NM_000366.6); c.532-441G>C (NM_001330351.2, NM_001330344.2, NM_001365781.2); short protein forms A209P, A173P, A251P.
Identifiers: ClinVar variation 1404612 (VCV001404612.8), dbSNP rs730881159, ClinGen allele CA392724302.

ClinVar aggregate classification (germline): Uncertain significance (1 of 4 stars; one submission).

Conditions:
Hypertrophic cardiomyopathy. Also called: HYPERTROPHIC MYOCARDIOPATHY. Identifiers: Orphanet 217569, MedGen C0007194, MeSH D002312, MONDO:0005045, HP:0001639.

Submission:

Labcorp Genetics (formerly Invitae), Labcorp
Classification: Uncertain significance for Hypertrophic cardiomyopathy. Last evaluated: 2022-07-19. Review status: criteria provided, single submitter. Criteria: Invitae Variant Classification Sherloc (09022015). Collection method: clinical testing. Allele origin: germline.
Comment: In summary, the available evidence is currently insufficient to determine the role of this variant in disease. Therefore, it has been classified as a Variant of Uncertain Significance. Algorithms developed to predict the effect of missense changes on protein structure and function are either unavailable or do not agree on the potential impact of this missense change (SIFT: "Deleterious"; PolyPhen-2: "Probably Damaging"; Align-GVGD: "Class C0"). ClinVar contains an entry for this variant (Variation ID: 1404612). This variant has not been reported in the literature in individuals affected with TPM1-related conditions. This variant is not present in population databases (gnomAD no frequency). This sequence change replaces alanine, which is neutral and non-polar, with proline, which is neutral and non-polar, at codon 209 of the TPM1 protein (p.Ala209Pro).